The following is an entry in ClinVar:

NM_139027.6(ADAMTS13):c.2865G>A (p.Trp955Ter)

Gene: ADAMTS13 (ADAM metallopeptidase with thrombospondin type 1 motif 13; plus strand). Cytogenetic location: 9q34.2.
Variant type: single nucleotide variant.
Coding change: c.2865G>A on transcript NM_139027.6 (MANE Select); coding-DNA position 2865, G replaced by A.
Protein change: p.Trp955Ter; replaces tryptophan 955 with a stop codon.
Molecular consequence: nonsense. On other transcripts: non-coding transcript variant (1).
Genome position (GRCh38, 1-based): chr9:133,449,786, G>A. VCF-style: chr9-133449786-G-A. GRCh37 (hg19) VCF-style: chr9-136314907-G-A.
Other names: c.2865G>A, p.Trp955Ter (NM_139025.5); c.2772G>A, p.Trp924Ter (NM_139026.6); short protein forms W924*, W955*.
Identifiers: ClinVar variation 3362788 (VCV003362788.2).

ClinVar aggregate classification (germline): Pathogenic (0 of 4 stars; one submission).

Conditions:
Upshaw-Schulman syndrome (TTP). Also called: THROMBOTIC THROMBOCYTOPENIC PURPURA, HEREDITARY; Congenital thrombotic thrombocytopenic purpura. Identifiers: Orphanet 93583, MedGen C1268935, MONDO:0010122, OMIM 274150.

Submission:

Guangzhou First People’s Hospital, Institute of Blood Transfusion and Hematology,Guangzhou Medical University
Classification: Pathogenic for Upshaw-Schulman syndrome. Last evaluated: 2022-10-13. Review status: no assertion criteria provided. Collection method: clinical testing. Allele origin: germline. Affected: yes.
Comment: The novel compound heterozygous mutation c.2865G>A:p.Trp955X and c.721delG:p.Gly241fs in the ADAMTS13 gene were identified and are predicted to be associated with Hereditary Thrombotic Thrombocytopenic Purpura. The nonsense mutation c.2865G>A contributes to abnormal termination of translation at the 955th amino acid and results in deletion of the TSP6-8 and CUB domains. Unfortunately, an attempt to predict the mutated protein structure with the Swiss Model tool failed. The frameshift mutation c.721delG alters an amino acid and ends translation at the 7th amino acid after the mutation point, which means that the synthesized protein simply includes the signal peptide and propeptide (Figure 4). Even if NMD is not involved, both novel mutations alter the protein structure, and protein function is impaired, promoting the occurrence of disease.